The following is an entry in ClinVar:

NM_001852.4(COL9A2):c.1604-3C>A

Gene: COL9A2 (collagen type IX alpha 2 chain; minus strand). Cytogenetic location: 1p34.2.
Variant type: single nucleotide variant.
Coding change: c.1604-3C>A on transcript NM_001852.4 (MANE Select); 3 bases into the intron before coding-DNA position 1604, C replaced by A.
Molecular consequence: intron variant.
Genome position (GRCh38, 1-based): chr1:40,302,812, G>T on the plus strand (C>A on the coding strand, the complement: COL9A2 is on the minus strand). VCF-style: chr1-40302812-G-T. GRCh37 (hg19) VCF-style: chr1-40768484-G-T.
Identifiers: ClinVar variation 1307268 (VCV001307268.2), dbSNP rs2124041473, ClinGen allele CA2573051563.

ClinVar aggregate classification (germline): Uncertain significance (1 of 4 stars; one submission).

Submission:

GeneDx
Classification: Uncertain significance. Last evaluated: 2019-07-18. Review status: criteria provided, single submitter. Criteria: GeneDx Variant Classification Process June 2021. Collection method: clinical testing. Allele origin: germline. Affected: yes.
Comment: Has not been previously published as pathogenic or benign to our knowledge; Not observed in large population cohorts (Lek et al., 2016); In-silico analysis, which includes splice predictors and evolutionary conservation, is inconclusive as to whether the variant alters gene splicing. In the absence of RNA/functional studies, the actual effect of this sequence change is unknown.